The following is an entry in ClinVar:

NM_001351015.2(R3HCC1L):c.499T>C (p.Cys167Arg)

Gene: R3HCC1L (R3H domain and coiled-coil containing 1 like; plus strand). Cytogenetic location: 10q24.2.
Variant type: single nucleotide variant.
Coding change: c.499T>C on transcript NM_001351015.2 (MANE Select); coding-DNA position 499, T replaced by C.
Protein change: p.Cys167Arg; replaces cysteine 167 with arginine.
Molecular consequence: missense variant. On other transcripts: intron variant (1).
Genome position (GRCh38, 1-based): chr10:98,208,613, T>C. VCF-style: chr10-98208613-T-C. GRCh37 (hg19) VCF-style: chr10-99968370-T-C.
Other names: c.499T>C, p.Cys167Arg (NM_001256619.2, NM_001256620.2, NM_001351010.2 and 8 more transcripts); c.4-22899T>C (NM_001256621.2); short protein forms C167R.
Identifiers: ClinVar variation 4872910 (VCV004872910.2).
Genomic context (GRCh38, chr10:98,208,613, plus strand): 5'-TGTTTGGAAGTTGAAACTACGGATGTGACAGGACATGAGAGGATACTTCTTTCACAGGCC[T>C]GTTTAGAAATCAGCGAGGCTCAAGTTCCAAGCAAACCATTCCAAAATGTGGAATTCTGTG-3'
Protein context (NP_001337944.2, residues 157-177): GHERILLSQA[Cys167Arg]LEISEAQVPS

ClinVar aggregate classification (germline): Uncertain significance (1 of 4 stars; one submission).

Submission:

CeGaT Center for Human Genetics Tuebingen
Classification: Uncertain significance. Last evaluated: 2026-06-01. Review status: criteria provided, single submitter. Criteria: CeGaT Center For Human Genetics Tuebingen Variant Classification Criteria Version 2. Collection method: clinical testing. Allele origin: germline. Affected: yes. Observed: 1 variant allele.
Comment: R3HCC1L: PM2, BP4